The following is an entry in ClinVar:

ClinVar aggregate classification (germline): Uncertain significance (1 of 4 stars; one submission).

Conditions:
Dyskeratosis congenita, autosomal dominant 2. Identifiers: MedGen C3151443, MONDO:0013521, OMIM 613989.
Idiopathic Pulmonary Fibrosis. Also called: Idiopathic fibrosing alveolitis, chronic form; idiopathic fibrosing alveolitis. Identifiers: Orphanet 2032, MedGen C1800706, MeSH D054990, MONDO:0800504.

Submission:

Labcorp Genetics (formerly Invitae), Labcorp
Classification: Uncertain significance for Dyskeratosis congenita, autosomal dominant 2; Idiopathic Pulmonary Fibrosis. Last evaluated: 2022-05-10. Review status: criteria provided, single submitter. Criteria: Invitae Variant Classification Sherloc (09022015). Collection method: clinical testing. Allele origin: germline.
Comment: This sequence change replaces alanine, which is neutral and non-polar, with serine, which is neutral and polar, at codon 542 of the TERT protein (p.Ala542Ser). Information on the frequency of this variant in the gnomAD database is not available, as this variant may be reported differently in the database. This variant has not been reported in the literature in individuals affected with TERT-related conditions. Experimental studies and prediction algorithms are not available or were not evaluated, and the functional significance of this variant is currently unknown. In summary, the available evidence is currently insufficient to determine the role of this variant in disease. Therefore, it has been classified as a Variant of Uncertain Significance.

NM_198253.3(TERT):c.1623_1624delinsTT (p.Ala542Ser)

Gene: TERT (telomerase reverse transcriptase; minus strand). Cytogenetic location: 5p15.33.
Variant type: Indel.
Coding change: c.1623_1624delinsTT on transcript NM_198253.3 (MANE Select); coding-DNA positions 1623 to 1624, GG replaced by TT.
Protein change: p.Ala542Ser; replaces alanine 542 with serine.
Molecular consequence: missense variant. On other transcripts: non-coding transcript variant (2).
Genome position (GRCh38, 1-based): chr5:1,282,574-1,282,575, CC replaced by AA on the plus strand (GG replaced by TT on the coding strand, the reverse complement: TERT is on the minus strand). VCF-style: chr5-1282574-CC-AA. GRCh37 (hg19) VCF-style: chr5-1282689-CC-AA.
Other names: c.1623_1624delinsTT, p.Ala542Ser (NM_001193376.3); short protein forms A542S.
Identifiers: ClinVar variation 1518399 (VCV001518399.8), dbSNP rs2126649852, ClinGen allele CA2573138409.
Genomic context (GRCh38, chr5:1,282,574, plus strand): 5'-AAAAGAAAGACCTGAGCAGCTCGACGACGTACACACTCATCAGCCAGTGCAGGAACTTGG[CC>AA]AGGATCTCCTCACGCAGACGGTGCTCTGCGGCCGGAACACAGCCAACCCCTTAAACGAGA-3'
Protein context (NP_937983.2, residues 532-552): AEHRLREEIL[Ala542Ser]KFLHWLMSVY